The following is an entry in ClinVar:

NM_013275.6(ANKRD11):c.3576C>T (p.Asp1192=)

Gene: ANKRD11 (ankyrin repeat domain containing 11; minus strand). Cytogenetic location: 16q24.3.
Variant type: single nucleotide variant.
Coding change: c.3576C>T on transcript NM_013275.6 (MANE Select); coding-DNA position 3576, C replaced by T.
Protein change: p.Asp1192=; no amino-acid change (aspartic acid 1192 retained).
Molecular consequence: synonymous variant.
Genome position (GRCh38, 1-based): chr16:89,282,966, G>A on the plus strand (C>T on the coding strand, the complement: ANKRD11 is on the minus strand). VCF-style: chr16-89282966-G-A. GRCh37 (hg19) VCF-style: chr16-89349374-G-A.
Other names: c.3576C>T, p.Asp1192= (NM_001256182.2, NM_001256183.2).
Identifiers: ClinVar variation 3036151 (VCV003036151.2), dbSNP rs766704621, ClinGen allele CA8242331.

ClinVar aggregate classification (germline): Likely benign (0 of 4 stars; one submission).

Conditions:
ANKRD11-related disorder. Also called: ANKRD11-related condition.

Allele frequency attached by ClinVar (database versions not stated): ExAC 0.00006; gnomAD 0.00007.
gnomAD v4.1: 39 of 1,612,972 alleles (0.0024%); highest among the groups gnomAD compares: African/African-American, 0.013%; no homozygotes.

Submission:

PreventionGenetics, part of Exact Sciences
Classification: Likely benign for ANKRD11-related condition. Last evaluated: 2023-02-08. Review status: no assertion criteria provided. Collection method: clinical testing. Allele origin: germline.
Comment: This variant is classified as likely benign based on ACMG/AMP sequence variant interpretation guidelines (Richards et al. 2015 PMID: 25741868, with internal and published modifications).